The following continues an entry in ClinVar:

NM_000059.4(BRCA2):c.5312G>A (p.Gly1771Asp)

Gene: BRCA2. ClinVar aggregate classification (germline): Benign. Benign (1).

Submissions 24 to 40 of 40:

Fulgent Genetics
Classification: Likely benign for Breast-ovarian cancer, familial, susceptibility to, 2. Last evaluated: 2015-12-08. Review status: criteria provided, single submitter. Criteria: ACMG Guidelines, 2015. Collection method: clinical testing. Allele origin: unknown. Not counted in ClinVar's aggregate classification.

Clinical Genetics DNA and cytogenetics Diagnostics Lab, Erasmus MC, Erasmus Medical Center
Classification: Benign for Breast-ovarian cancer, familial, susceptibility to, 2. Last evaluated: 2015-09-21. Review status: criteria provided, single submitter. Criteria: ACGS Guidelines, 2013. Collection method: clinical testing. Allele origin: germline. Affected: yes. Study: VKGL Data-share Consensus. Not counted in ClinVar's aggregate classification.

Women's Health and Genetics/Laboratory Corporation of America, LabCorp
Classification: Benign for Hereditary breast ovarian cancer syndrome. Last evaluated: 2015-04-09. Review status: criteria provided, single submitter. Criteria: LabCorp Variant Classification Summary - May 2015. Collection method: clinical testing. Allele origin: germline. Not counted in ClinVar's aggregate classification.
Comment: Variant Summary: The variant of interst causes a missense change in a non-conserved position with 3/5 in silico programs predicting a "benign" outcome. The variant of interest has an observed allele frequency of 41/121940 (1/2976) including 1 homozygous occurrence. Functional analysis through the use of allelic imbalance implicated the variant does not affect splicing (Caux-Moncoutier_2009). The variant of interest has been reported in multiple affected individuals, however, it has shown lack of co-segregation within one family with an affected individual not carrying the variant of interest (Carvallone_2010). In addition, the variant of interest was reported to co-occur with another potentially pathogenic BRCA2 variant, c.759_759delinsACA and a potentially pathogenic BRCA1 variant, c.212+3A>G. Furthermore, multiple reputable databases/laboratories (ARUP, UMD, SCRP, GeneDx and Ambry Genetics) and publications (Lindor_2012, Easton_2007, and Cunningham_2014) classify the variant as "likely benign/benign/polymorphism." Therefore, taken all together, the variant of interest is classified as benign.

Color Diagnostics, LLC DBA Color Health
Classification: Likely benign for Hereditary cancer-predisposing syndrome. Last evaluated: 2015-03-10. Review status: criteria provided, single submitter. Criteria: ACMG Guidelines, 2015. Collection method: clinical testing. Allele origin: germline. Not counted in ClinVar's aggregate classification.

Ambry Genetics
Classification: Benign for Hereditary cancer-predisposing syndrome. Last evaluated: 2014-11-19. Review status: criteria provided, single submitter. Criteria: Ambry Variant Classification Scheme 2023. Collection method: clinical testing. Allele origin: germline. Not counted in ClinVar's aggregate classification.

GeneDx
Classification: Benign. Last evaluated: 2014-03-06. Review status: criteria provided, single submitter. Criteria: GeneDx Variant Classification (06012015). Collection method: clinical testing. Allele origin: germline. Affected: yes. Not counted in ClinVar's aggregate classification.
Comment: This variant is considered likely benign or benign based on one or more of the following criteria: it is a conservative change, it occurs at a poorly conserved position in the protein, it is predicted to be benign by multiple in silico algorithms, and/or has population frequency not consistent with disease.

Breakthrough Genomics
Classification: Benign. Review status: criteria provided, single submitter. Criteria: ACMG Guidelines, 2015. Collection method: not provided. Allele origin: germline. Inheritance: Autosomal recessive inheritance. Affected: yes. Not counted in ClinVar's aggregate classification.

Biochemical Molecular Genetic Laboratory, King Abdulaziz Medical City
Classification: Benign for Fanconi anemia complementation group D1. Last evaluated: 2020-02-05. Review status: no assertion criteria provided. Collection method: clinical testing. Allele origin: germline. Affected: yes. Not counted in ClinVar's aggregate classification.

Counsyl
Classification: Likely benign for Breast-ovarian cancer, familial 2. Last evaluated: 2014-01-02. Review status: no assertion criteria provided. Collection method: literature only. Allele origin: unknown. Inheritance: Autosomal dominant inheritance. Not counted in ClinVar's aggregate classification.

Biesecker Lab/Clinical Genomics Section, National Institutes of Health
Classification: Likely benign. Last evaluated: 2012-07-13. Review status: no assertion criteria provided. Collection method: research. Allele origin: germline. Affected: no. Observed: 1 variant allele. Study: ClinSeq. Not counted in ClinVar's aggregate classification.
ClinVar note: Converted during submission from probably not pathogenic to Likely benign.

Sharing Clinical Reports Project (SCRP)
Classification: Benign for Breast-ovarian cancer, familial 2. Last evaluated: 2006-03-16. Review status: no assertion criteria provided. Collection method: clinical testing. Allele origin: germline. Not counted in ClinVar's aggregate classification.

Breast Cancer Information Core (BIC) (BRCA2)
No classification provided. Condition: Breast-ovarian cancer, familial 2. Review status: no classification provided. Collection method: clinical testing. Allele origin: germline. Affected: yes. Observed: 44 variant alleles. Not counted in ClinVar's aggregate classification.

Clinical Genetics Laboratory, Department of Pathology, Netherlands Cancer Institute
Classification: Benign. Review status: no assertion criteria provided. Collection method: clinical testing. Allele origin: germline. Affected: yes. Study: VKGL Data-share Consensus. Not counted in ClinVar's aggregate classification.

Department of Pathology and Laboratory Medicine, Sinai Health System
Classification: Benign. Review status: no assertion criteria provided. Collection method: clinical testing. Allele origin: unknown. Affected: yes. Observed: 4 variant alleles. Study: The Canadian Open Genetics Repository (COGR). Not counted in ClinVar's aggregate classification.
Comment: The BRCA2 p.Gly1771Asp variant was identified in 6 of 1934 proband chromosomes from individuals with breast cancer, ovarian cancer or prostate cancer and was not detected in 100 control chromosomes evaluated (Edwards 2003, Hadjisavvas 2003, Hondow 2011, Kauff 2002, Thirthagiri 2008, Toh 2008). The variant was listed in dbSNP (ID: rs80358755) â€šÃ„ÃºWith probable-non-pathogenic alleleâ€šÃ„Ã¹ with a minor allele frequency of 0.0005 (1000 Genomes Project), and in the NHLBI Exome Sequencing Project (with a frequency of 0.0006 in European American alleles, increasing the likelihood that this may be a low frequency benign variant in certain populations of origin. The variant was also identified in HGMD, LOVD, the BIC database (43X with no clinical importance, 1X with unknown clinical importance), and in UMD (25X as a neutral variant). In UMD the variant was twice listed co-occur with a pathogenic variant in BRCA1 or BRCA2 (BRCA2 c.759 759delinsACA (p.Ser253ArgfsX24) and BRCA1 c.IVS5+3A>G (c.212+3A>G)), increasing the likelihood that this variant does not have clinical significance. Computational analyses (PolyPhen-2, SIFT, AlignGVGD) do not suggest a high likelihood of impact to the protein (though this information is not predictive enough to rule out pathogenicity), and two in silico studies using multifactorial likelihood-ratio models predict the variant to be neutral or of no clinical significance (Easton 2007, Lindor 2012). Furthermore, the p.Gly1771 residue is not conserved in mammals and lower organisms, and the variant amino acid aspartic acid (Asp) is present in rat and mouse, further increasing the likelihood that this variant is not clinically important. In summary, based on the above information, this variant meets our laboratory's criteria to be classified as benign.

Diagnostic Laboratory, Department of Genetics, University Medical Center Groningen
Classification: Benign for Breast-ovarian cancer, familial, susceptibility to, 2. Review status: no assertion criteria provided. Collection method: clinical testing. Allele origin: germline. Affected: yes. Study: VKGL Data-share Consensus. Not counted in ClinVar's aggregate classification.

Joint Genome Diagnostic Labs from Nijmegen and Maastricht, Radboudumc and MUMC+
Classification: Benign. Review status: no assertion criteria provided. Collection method: clinical testing. Allele origin: germline. Affected: yes. Study: VKGL Data-share Consensus. Not counted in ClinVar's aggregate classification.

Laboratory of Diagnostic Genome Analysis, Leiden University Medical Center (LUMC)
Classification: Benign. Review status: no assertion criteria provided. Collection method: clinical testing. Allele origin: germline. Affected: yes. Study: VKGL Data-share Consensus. Not counted in ClinVar's aggregate classification.

Literature cited by the submitters: PubMed 21990134 (cited by Evidence-based Network for the Interpretation of Germline Mutant Alleles (ENIGMA) and Women's Health and Genetics/Laboratory Corporation of America, LabCorp); PubMed 36329109 (cited by Genetics Program, Instituto Nacional de Cancer); PubMed 10453741 (cited by Women's Health and Genetics/Laboratory Corporation of America, LabCorp); PubMed 17924331 (cited by Women's Health and Genetics/Laboratory Corporation of America, LabCorp and Counsyl); PubMed 21952622 (cited by Women's Health and Genetics/Laboratory Corporation of America, LabCorp); PubMed 18431501 (cited by Women's Health and Genetics/Laboratory Corporation of America, LabCorp and Counsyl); PubMed 19471317 (cited by Women's Health and Genetics/Laboratory Corporation of America, LabCorp); PubMed 20694749 (cited by Women's Health and Genetics/Laboratory Corporation of America, LabCorp); PubMed 12161607 (cited by Women's Health and Genetics/Laboratory Corporation of America, LabCorp); PubMed 15172753 (cited by Women's Health and Genetics/Laboratory Corporation of America, LabCorp); PubMed 24916970 (cited by Women's Health and Genetics/Laboratory Corporation of America, LabCorp); PubMed 20960228 (cited by Women's Health and Genetics/Laboratory Corporation of America, LabCorp); PubMed 18092194 (cited by Women's Health and Genetics/Laboratory Corporation of America, LabCorp); PubMed 12552570 (cited by Counsyl); PubMed 9971877 (cited by Counsyl).